The following is an entry in ClinVar:

ClinVar aggregate classification (germline): Uncertain significance (1 of 4 stars; one submission).

Conditions:
Cardiovascular phenotype. Identifiers: MedGen CN230736.

Submission:

Ambry Genetics
Classification: Uncertain significance for Cardiovascular phenotype. Last evaluated: 2025-02-22. Review status: criteria provided, single submitter. Criteria: Ambry Variant Classification Scheme 2023. Collection method: clinical testing. Allele origin: germline.
Comment: The p.D981H variant (also known as c.2941G>C), located in coding exon 13 of the MYPN gene, results from a G to C substitution at nucleotide position 2941. The aspartic acid at codon 981 is replaced by histidine, an amino acid with similar properties. This amino acid position is conserved. In addition, this alteration is predicted to be deleterious by in silico analysis. Based on the available evidence, the clinical significance of this variant remains unclear.

NM_032578.4(MYPN):c.2941G>C (p.Asp981His)

Gene: MYPN (myopalladin; plus strand). Cytogenetic location: 10q21.3.
Variant type: single nucleotide variant.
Coding change: c.2941G>C on transcript NM_032578.4 (MANE Select); coding-DNA position 2941, G replaced by C.
Protein change: p.Asp981His; replaces aspartic acid 981 with histidine.
Molecular consequence: missense variant. On other transcripts: non-coding transcript variant (2).
Genome position (GRCh38, 1-based): chr10:68,194,378, G>C. VCF-style: chr10-68194378-G-C. GRCh37 (hg19) VCF-style: chr10-69954135-G-C.
Other names: c.2941G>C, p.Asp981His (NM_001256267.2); c.2059G>C, p.Asp687His (NM_001256268.2); short protein forms D981H, D687H.
Identifiers: ClinVar variation 3877263 (VCV003877263.1).